The following is an entry in ClinVar:

ClinVar aggregate classification (germline): Pathogenic/Likely pathogenic. Review status: criteria provided, multiple submitters, no conflicts (2 of 4 stars). 3 submissions from 3 submitters: Pathogenic (2); Likely pathogenic (1). Last evaluated 2024-12-16.

Submissions (3):

Revvity Omics, Revvity
Classification: Likely pathogenic. Last evaluated: 2024-12-16. Review status: criteria provided, single submitter. Criteria: ACMG Guidelines, 2015. Collection method: clinical testing. Allele origin: germline.

Labcorp Genetics (formerly Invitae), Labcorp
Classification: Pathogenic. Last evaluated: 2024-10-07. Review status: criteria provided, single submitter. Criteria: Invitae Variant Classification Sherloc (09022015). Collection method: clinical testing. Allele origin: germline.
Comment: This sequence change replaces arginine, which is basic and polar, with cysteine, which is neutral and slightly polar, at codon 170 of the ALAS2 protein (p.Arg170Cys). This variant is not present in population databases (gnomAD no frequency). This missense change has been observed in individuals with X-linked recessive congenital sideroblastic anemia (PMID: 19731322, 22983749, 28102861). This variant is also known as c.397C>T (p.R133C). ClinVar contains an entry for this variant (Variation ID: 1214130). Invitae Evidence Modeling of protein sequence and biophysical properties (such as structural, functional, and spatial information, amino acid conservation, physicochemical variation, residue mobility, and thermodynamic stability) indicates that this missense variant is expected to disrupt ALAS2 protein function with a positive predictive value of 95%. Experimental studies have shown that this missense change affects ALAS2 function (PMID: 22983749). For these reasons, this variant has been classified as Pathogenic.

GeneDx
Classification: Pathogenic. Last evaluated: 2019-10-04. Review status: criteria provided, single submitter. Criteria: GeneDx Variant Classification Process June 2021. Collection method: clinical testing. Allele origin: germline. Affected: yes.
Comment: Published functional studies demonstrate a decrease enzymatic activity of mutant protein when compared with WT protein (Ohba et al., 2013); Not observed in large population cohorts (Lek et al., 2016); In silico analysis, which includes protein predictors and evolutionary conservation, supports a deleterious effect; This variant is associated with the following publications: (PMID: 22983749, 19731322, 28102861)

Literature cited by the submitters: PubMed 19731322 (cited by Labcorp Genetics (formerly Invitae), Labcorp); PubMed 22983749 (cited by Labcorp Genetics (formerly Invitae), Labcorp); PubMed 28102861 (cited by Labcorp Genetics (formerly Invitae), Labcorp).

NM_000032.5(ALAS2):c.508C>T (p.Arg170Cys)

Gene: ALAS2 (5'-aminolevulinate synthase 2; minus strand). Cytogenetic location: Xp11.21.
Variant type: single nucleotide variant.
Coding change: c.508C>T on transcript NM_000032.5 (MANE Select); coding-DNA position 508, C replaced by T.
Protein change: p.Arg170Cys; replaces arginine 170 with cysteine.
Molecular consequence: missense variant.
Genome position (GRCh38, 1-based): chrX:55,021,182, G>A on the plus strand (C>T on the coding strand, the complement: ALAS2 is on the minus strand). VCF-style: chrX-55021182-G-A. GRCh37 (hg19) VCF-style: chrX-55047615-G-A.
Other names: c.397C>T, p.Arg133Cys (NM_001037967.4); c.469C>T, p.Arg157Cys (NM_001037968.4); short protein forms R133C, R157C, R170C.
Identifiers: ClinVar variation 1214130 (VCV001214130.11), dbSNP rs1557248142, ClinGen allele CA413295645.
Genomic context (GRCh38, chrX:55,021,182, plus strand): 5'-CCTTTGAGGCCACAGATGCCTCAGAGAAATGTTGGGCAAAGGGATATGCATCAGCCCAGC[G>A]GTTCACAGTCTTGAACACACGGTAGGTGTGATCCTGTTTCTTCTCCATGATCTTGTCCCT-3'
Protein context (NP_000023.2, residues 160-180): HTYRVFKTVN[Arg170Cys]WADAYPFAQH